The following is an entry in ClinVar:

ClinVar aggregate classification (germline): Uncertain significance. Review status: criteria provided, multiple submitters, no conflicts (2 of 4 stars). 3 submissions from 3 submitters: Uncertain significance (3). Last evaluated 2022-10-25.

Conditions:
Inborn genetic diseases. Identifiers: MedGen C0950123, MeSH D030342.

Allele frequency attached by ClinVar (database versions not stated): gnomAD 0.00001 and 0.00003; gnomAD exomes 0.00001 and 0.00004; ExAC 0.00002; TOPMed 0.00002; 1000 Genomes Project 30x 0.00031; 1000 Genomes Project 0.00040.
gnomAD v4.1: 15 of 1,612,150 alleles (0.00093%); highest among the groups gnomAD compares: East Asian, 0.033%; no homozygotes.

Submissions (3):

Labcorp Genetics (formerly Invitae), Labcorp
Classification: Uncertain significance. Last evaluated: 2022-10-25. Review status: criteria provided, single submitter. Criteria: Invitae Variant Classification Sherloc (09022015). Collection method: clinical testing. Allele origin: germline.
Comment: This sequence change replaces threonine, which is neutral and polar, with alanine, which is neutral and non-polar, at codon 40 of the POC1B protein (p.Thr40Ala). This variant is present in population databases (rs201749664, gnomAD 0.04%). This variant has not been reported in the literature in individuals affected with POC1B-related conditions. ClinVar contains an entry for this variant (Variation ID: 1058650). Advanced modeling of protein sequence and biophysical properties (such as structural, functional, and spatial information, amino acid conservation, physicochemical variation, residue mobility, and thermodynamic stability) performed at Invitae indicates that this missense variant is not expected to disrupt POC1B protein function. In summary, the available evidence is currently insufficient to determine the role of this variant in disease. Therefore, it has been classified as a Variant of Uncertain Significance.

Ambry Genetics
Classification: Uncertain significance for Inborn genetic diseases. Last evaluated: 2022-05-11. Review status: criteria provided, single submitter. Criteria: Ambry Variant Classification Scheme 2023. Collection method: clinical testing. Allele origin: germline.

Blueprint Genetics
Classification: Uncertain significance. Last evaluated: 2022-04-29. Review status: criteria provided, single submitter. Criteria: ACMG Guidelines, 2015. Collection method: clinical testing. Allele origin: germline.

NM_172240.3(POC1B):c.118A>G (p.Thr40Ala)

Genes: POC1B (POC1 centriolar protein B; minus strand), POC1B-DUSP6 (POC1B-DUSP6 readthrough; minus strand). Cytogenetic location: 12q21.33.
Variant type: single nucleotide variant.
Coding change: c.118A>G on transcript NM_172240.3 (MANE Select); coding-DNA position 118, A replaced by G.
Protein change: p.Thr40Ala; replaces threonine 40 with alanine.
Molecular consequence: missense variant. On other transcripts: 5 prime UTR variant (1).
Genome position (GRCh38, 1-based): chr12:89,497,325, T>C on the plus strand (A>G on the coding strand, the complement: POC1B is on the minus strand). VCF-style: chr12-89497325-T-C. GRCh37 (hg19) VCF-style: chr12-89891102-T-C.
Other names: c.-9A>G (NM_001199777.2); c.118A>G (NM_172240.2); short protein forms T40A.
Identifiers: ClinVar variation 1058650 (VCV001058650.8), dbSNP rs201749664, ClinGen allele CA6714604.